The following is an entry in ClinVar:

ClinVar aggregate classification (germline): Likely pathogenic (1 of 4 stars; one submission).

Conditions:
Peroxisome biogenesis disorder, complementation group 7 (CG7). Also called: Peroxisome biogenesis disorder, complementation group B. Identifiers: MedGen C1864399.

Submission:

Labcorp Genetics (formerly Invitae), Labcorp
Classification: Likely pathogenic for Peroxisome biogenesis disorder, complementation group 7. Last evaluated: 2025-04-16. Review status: criteria provided, single submitter. Criteria: Invitae Variant Classification Sherloc (09022015). Collection method: clinical testing. Allele origin: germline.
Comment: This sequence change affects an acceptor splice site in intron 3 of the PEX10 gene. It is expected to disrupt RNA splicing. Variants that disrupt the donor or acceptor splice site typically lead to a loss of protein function (PMID: 16199547), and loss-of-function variants in PEX10 are known to be pathogenic (PMID: 9683594, 10862081, 21031596). This variant is not present in population databases (gnomAD no frequency). This variant has not been reported in the literature in individuals affected with PEX10-related conditions. ClinVar contains an entry for this variant (Variation ID: 2097146). Algorithms developed to predict the effect of sequence changes on RNA splicing suggest that this variant may create or strengthen a splice site. In summary, the currently available evidence indicates that the variant is pathogenic, but additional data are needed to prove that conclusively. Therefore, this variant has been classified as Likely Pathogenic.

Literature cited by the submitters: PubMed 16199547; PubMed 9683594; PubMed 10862081; PubMed 21031596.

NM_002617.4(PEX10):c.601-61G>A

Gene: PEX10 (peroxisomal biogenesis factor 10; minus strand). Cytogenetic location: 1p36.32.
Variant type: single nucleotide variant.
Coding change: c.601-61G>A on transcript NM_002617.4 (MANE Select); 61 bases into the intron before coding-DNA position 601, G replaced by A.
Molecular consequence: intron variant. On other transcripts: splice acceptor variant (1).
Genome position (GRCh38, 1-based): chr1:2,406,956, C>T on the plus strand (G>A on the coding strand, the complement: PEX10 is on the minus strand). VCF-style: chr1-2406956-C-T. GRCh37 (hg19) VCF-style: chr1-2338395-C-T.
Other names: c.169-61G>A (NM_001374427.1); c.169-4G>A (NM_001374426.1); c.601-4G>A (NM_001374425.1); c.601-1G>A (NM_153818.2).
Identifiers: ClinVar variation 2097146 (VCV002097146.4), dbSNP rs2522261938, ClinGen allele CA337986042.
Genomic context (GRCh38, chr1:2,406,956, plus strand): 5'-CTGTAAGGCAGATGGCGCCACACTCATCAGGACCCTGAGGGGATCTGGCCTCAGCGCCTG[C>T]TGGGAGGGTCACACGTTCAGTTGGCACAGAGCACGTTAGAACCAGGCCTCTCACTGGCAT-3'